The following is an entry in ClinVar:

ClinVar aggregate classification (germline): Uncertain significance (1 of 4 stars; one submission).

Submission:

Athena Diagnostics
Classification: Uncertain significance. Last evaluated: 2025-08-22. Review status: criteria provided, single submitter. Criteria: Athena Diagnostics Criteria. Collection method: clinical testing. Allele origin: unknown.
Comment: Available data are insufficient to determine the clinical significance of the variant at this time. This variant has not been reported in large, multi-ethnic general populations. Polyphen and MutationTaster yielded discordant predictions regarding whether this amino acid change is damaging to the protein.

NM_000545.8(HNF1A):c.1463C>G (p.Pro488Arg)

Gene: HNF1A (HNF1 homeobox A; plus strand). Cytogenetic location: 12q24.31.
Variant type: single nucleotide variant.
Coding change: c.1463C>G on transcript NM_000545.8 (MANE Select); coding-DNA position 1463, C replaced by G.
Protein change: p.Pro488Arg; replaces proline 488 with arginine.
Molecular consequence: missense variant. On other transcripts: intron variant (1).
Genome position (GRCh38, 1-based): chr12:120,997,627, C>G. VCF-style: chr12-120997627-C-G. GRCh37 (hg19) VCF-style: chr12-121435430-C-G.
Other names: c.1463C>G, p.Pro488Arg (NM_001306179.2); c.1309+885C>G (NM_001406915.1); short protein forms P488R.
Identifiers: ClinVar variation 4682386 (VCV004682386.1).